The following is an entry in ClinVar:

ClinVar aggregate classification (germline): Uncertain significance (1 of 4 stars; one submission).

gnomAD v4.1: 21 of 1,613,630 alleles (0.0013%); highest among the groups gnomAD compares: East Asian, 0.011%; no homozygotes.

Submission:

GeneDx
Classification: Uncertain significance. Last evaluated: 2026-01-30. Review status: criteria provided, single submitter. Criteria: GeneDx Variant Classification Process June 2021. Collection method: clinical testing. Allele origin: germline.
Comment: In silico analysis supports a deleterious effect on splicing; Has not been previously published as pathogenic or benign to our knowledge

NM_020812.4(DOCK6):c.1761G>A (p.Pro587=)

Gene: DOCK6 (dedicator of cytokinesis 6; minus strand). Cytogenetic location: 19p13.2.
Variant type: single nucleotide variant.
Coding change: c.1761G>A on transcript NM_020812.4 (MANE Select); coding-DNA position 1761, G replaced by A.
Protein change: p.Pro587=; no amino-acid change (proline 587 retained).
Molecular consequence: synonymous variant.
Genome position (GRCh38, 1-based): chr19:11,238,187, C>T on the plus strand (G>A on the coding strand, the complement: DOCK6 is on the minus strand). VCF-style: chr19-11238187-C-T. GRCh37 (hg19) VCF-style: chr19-11348863-C-T.
Other names: c.1761G>A, p.Pro587= (NM_001367830.1).
Identifiers: ClinVar variation 4975702 (VCV004975702.1).
Genomic context (GRCh38, chr19:11,238,187, plus strand): 5'-GATTCATGAGGGACCCATGGGGGATGCCCTACCCCCCTTCCCTGGGGCACAGCCACTGAC[C>T]GGCAGAGCCTGGCTGGGGTCCTCGCCTGTCATGTACTGCACTCGCACAGCAAGGTTGCGC-3'
Protein context (NP_065863.2, residues 577-597): MTGEDPSQAL[Pro587=]VIFGKSSCSE